The following is an entry in ClinVar:

ClinVar aggregate classification (germline): Uncertain significance (1 of 4 stars; one submission).

Conditions:
Hyperphosphatasia with impaired intellectual development syndrome 2. Also called: Hyperphosphatasia with intellectual disability syndrome 2; GLYCOSYLPHOSPHATIDYLINOSITOL BIOSYNTHESIS DEFECT 6. Identifiers: Orphanet 247262, MedGen C3553637, MONDO:0013882, OMIM 614749.

Allele frequency attached by ClinVar (database versions not stated): TOPMed 0.00002.
gnomAD v4.1: 12 of 1,614,218 alleles (0.00074%); highest among the groups gnomAD compares: Non-Finnish European, 0.00093%; no homozygotes.

Submission:

Labcorp Genetics (formerly Invitae), Labcorp
Classification: Uncertain significance for Hyperphosphatasia with impaired intellectual development syndrome 2. Last evaluated: 2023-06-13. Review status: criteria provided, single submitter. Criteria: Invitae Variant Classification Sherloc (09022015). Collection method: clinical testing. Allele origin: germline.
Comment: This sequence change replaces arginine, which is basic and polar, with cysteine, which is neutral and slightly polar, at codon 556 of the PIGO protein (p.Arg556Cys). This variant is not present in population databases (gnomAD no frequency). This variant has not been reported in the literature in individuals affected with PIGO-related conditions. ClinVar contains an entry for this variant (Variation ID: 854749). An algorithm developed to predict the effect of missense changes on protein structure and function (PolyPhen-2) suggests that this variant is likely to be disruptive. In summary, the available evidence is currently insufficient to determine the role of this variant in disease. Therefore, it has been classified as a Variant of Uncertain Significance.

NM_032634.4(PIGO):c.1666C>T (p.Arg556Cys)

Gene: PIGO (phosphatidylinositol glycan anchor biosynthesis class O; minus strand). Cytogenetic location: 9p13.3.
Variant type: single nucleotide variant.
Coding change: c.1666C>T on transcript NM_032634.4 (MANE Select); coding-DNA position 1666, C replaced by T.
Protein change: p.Arg556Cys; replaces arginine 556 with cysteine.
Molecular consequence: missense variant. On other transcripts: intron variant (2).
Genome position (GRCh38, 1-based): chr9:35,092,221, G>A on the plus strand (C>T on the coding strand, the complement: PIGO is on the minus strand). VCF-style: chr9-35092221-G-A. GRCh37 (hg19) VCF-style: chr9-35092218-G-A.
Other names: c.1344+322C>T (NM_152850.4, NM_001201484.2); short protein forms R556C.
Identifiers: ClinVar variation 854749 (VCV000854749.7), dbSNP rs754771826, ClinGen allele CA192711521.